The following is an entry in ClinVar:

ClinVar aggregate classification (germline): Uncertain significance (1 of 4 stars; one submission).

Allele frequency attached by ClinVar (database versions not stated): gnomAD exomes 0.00001.
gnomAD v4.1: 21 of 1,613,350 alleles (0.0013%); highest among the groups gnomAD compares: Non-Finnish European, 0.0018%; no homozygotes.

Submission:

Labcorp Genetics (formerly Invitae), Labcorp
Classification: Uncertain significance. Last evaluated: 2023-09-29. Review status: criteria provided, single submitter. Criteria: Invitae Variant Classification Sherloc (09022015). Collection method: clinical testing. Allele origin: germline.
Comment: This sequence change replaces serine, which is neutral and polar, with glycine, which is neutral and non-polar, at codon 759 of the GUCY2C protein (p.Ser759Gly). This variant is not present in population databases (gnomAD no frequency). This variant has not been reported in the literature in individuals affected with GUCY2C-related conditions. ClinVar contains an entry for this variant (Variation ID: 1517370). Advanced modeling of protein sequence and biophysical properties (such as structural, functional, and spatial information, amino acid conservation, physicochemical variation, residue mobility, and thermodynamic stability) performed at Invitae indicates that this missense variant is not expected to disrupt GUCY2C protein function. In summary, the available evidence is currently insufficient to determine the role of this variant in disease. Therefore, it has been classified as a Variant of Uncertain Significance.

NM_004963.4(GUCY2C):c.2275A>G (p.Ser759Gly)

Gene: GUCY2C (guanylate cyclase 2C; minus strand). Cytogenetic location: 12p12.3.
Variant type: single nucleotide variant.
Coding change: c.2275A>G on transcript NM_004963.4 (MANE Select); coding-DNA position 2275, A replaced by G.
Protein change: p.Ser759Gly; replaces serine 759 with glycine.
Molecular consequence: missense variant.
Genome position (GRCh38, 1-based): chr12:14,625,890, T>C on the plus strand (A>G on the coding strand, the complement: GUCY2C is on the minus strand). VCF-style: chr12-14625890-T-C. GRCh37 (hg19) VCF-style: chr12-14778824-T-C.
Other names: short protein forms S759G.
Identifiers: ClinVar variation 1517370 (VCV001517370.8), dbSNP rs2136990386, ClinGen allele CA383997703.
Genomic context (GRCh38, chr12:14,625,890, plus strand): 5'-CCAGATGTTCCAGGTTTCGAGAATATAGCTGTAGACGTCGGATCAAGGTATCCATATAGC[T>C]TTCATTTTTTTGGTCATGAAAAAGTCTGTAGGTAGTAATAGATAAAGAGCTCTTATATAT-3'
Protein context (NP_004954.2, residues 749-769): FGLFHDQKNE[Ser759Gly]YMDTLIRRLQ